The following is an entry in ClinVar:

NM_000179.3(MSH6):c.1812_1814delinsTAAAGAAT (p.Glu604fs)

Gene: MSH6 (mutS homolog 6; plus strand). Cytogenetic location: 2p16.3.
Variant type: Indel.
Coding change: c.1812_1814delinsTAAAGAAT on transcript NM_000179.3 (MANE Select); coding-DNA positions 1812 to 1814, AAC replaced by TAAAGAAT.
Protein change: p.Glu604fs; shifts the reading frame from glutamic acid 604.
Molecular consequence: frameshift variant.
Genome position (GRCh38, 1-based): chr2:47,799,795-47,799,797, AAC replaced by TAAAGAAT. VCF-style: chr2-47799795-AAC-TAAAGAAT. GRCh37 (hg19) VCF-style: chr2-48026934-AAC-TAAAGAAT.
Other names: c.1812_1814delAACinsTAAAGAAT, p.Glu604Aspfs (NM_001406800.1, NM_001406803.1, NM_001406808.1 and 3 more transcripts); c.1515_1517delAACinsTAAAGAAT, p.Glu505Aspfs (NM_001406801.1, NM_001406805.1, NM_001406818.1 and 10 more transcripts); c.1908_1910delAACinsTAAAGAAT, p.Glu636Aspfs (NM_001406802.1, NM_001406795.1); c.1734_1736delAACinsTAAAGAAT, p.Glu578Aspfs (NM_001406804.1); c.1287_1289delAACinsTAAAGAAT, p.Glu429Aspfs (NM_001406806.1, NM_001406807.1, NM_001406799.1); c.906_908delAACinsTAAAGAAT, p.Glu302Aspfs (NM_001406811.1, NM_001406812.1, NM_001406814.1 and 4 more transcripts); c.1818_1820delAACinsTAAAGAAT, p.Glu606Aspfs (NM_001406813.1); c.1644_1646delAACinsTAAAGAAT, p.Glu548Aspfs (NM_001406826.1); and 2 more; short protein forms E474fs, E302fs, E604fs.
Identifiers: ClinVar variation 1780603 (VCV001780603.2), dbSNP rs2530631608, ClinGen allele CA2580067703.

ClinVar aggregate classification (germline): Pathogenic (1 of 4 stars; one submission).

Conditions:
Hereditary cancer-predisposing syndrome. Also called: Neoplastic Syndromes, Hereditary; Tumor predisposition; Hereditary Cancer Syndrome; Hereditary neoplastic syndrome. Identifiers: Orphanet 140162, MedGen C0027672, MeSH D009386, MONDO:0015356.

Submission:

Ambry Genetics
Classification: Pathogenic for Hereditary cancer-predisposing syndrome. Last evaluated: 2022-05-13. Review status: criteria provided, single submitter. Criteria: Ambry Variant Classification Scheme 2023. Collection method: clinical testing. Allele origin: germline.
Comment: The c.1812_1814delAACinsTAAAGAAT pathogenic mutation, located in coding exon 4 of the MSH6 gene, results from the deletion of 3 nucleotides and insertion of 8 nucleotides causing a translational frameshift with a predicted alternate stop codon (p.E604Dfs*8). This variant is considered to be rare based on population cohorts in the Genome Aggregation Database (gnomAD). This alteration is expected to result in loss of function by premature protein truncation or nonsense-mediated mRNA decay. As such, this alteration is interpreted as a disease-causing mutation.